The following is an entry in ClinVar:

ClinVar aggregate classification (germline): Uncertain significance. Review status: criteria provided, single submitter (1 of 4 stars). 2 submissions from 2 submitters: Uncertain significance (1). 1 of the submissions does not count toward it. Last evaluated 2024-10-29.

Conditions:
Autosomal dominant Parkinson disease 8. Also called: Parkinson disease 8, susceptibility to; LRRK2-Related Parkinson Disease; Parkinson disease 8. Identifiers: Orphanet 411602, MedGen C1846862, MONDO:0011764, OMIM 607060.

Allele frequency attached by ClinVar (database versions not stated): ExAC 0.00001; 1000 Genomes Project 0.00020; gnomAD 0.00001 and 0.00002; TOPMed 0.00001; gnomAD exomes 0.00002 and 0.00007; 1000 Genomes Project 30x 0.00016.
gnomAD v4.1: 103 of 1,611,392 alleles (0.0064%); highest among the groups gnomAD compares: East Asian, 0.23%; no homozygotes.

Submissions (2):

Labcorp Genetics (formerly Invitae), Labcorp
Classification: Uncertain significance for Autosomal dominant Parkinson disease 8. Last evaluated: 2024-10-29. Review status: criteria provided, single submitter. Criteria: Invitae Variant Classification Sherloc (09022015). Collection method: clinical testing. Allele origin: germline.
Comment: This sequence change replaces asparagine, which is neutral and polar, with isoleucine, which is neutral and non-polar, at codon 238 of the LRRK2 protein (p.Asn238Ile). This variant is present in population databases (rs28365216, gnomAD 0.02%). This missense change has been observed in individual(s) with Parkinsons disease, as well as unaffeced individuals (PMID: 21885347, 24565865). ClinVar contains an entry for this variant (Variation ID: 39233). Invitae Evidence Modeling of protein sequence and biophysical properties (such as structural, functional, and spatial information, amino acid conservation, physicochemical variation, residue mobility, and thermodynamic stability) has been performed for this missense variant. However, the output from this modeling did not meet the statistical confidence thresholds required to predict the impact of this variant on LRRK2 protein function. In summary, the available evidence is currently insufficient to determine the role of this variant in disease. Therefore, it has been classified as a Variant of Uncertain Significance.

GeneReviews
No classification provided. Condition: Autosomal dominant Parkinson disease 8. Review status: no classification provided. Collection method: literature only. Allele origin: unknown. Not counted in ClinVar's aggregate classification.

Literature cited by the submitters: PubMed 21885347 (cited by Labcorp Genetics (formerly Invitae), Labcorp); PubMed 24565865 (cited by Labcorp Genetics (formerly Invitae), Labcorp); PubMed 20301387 (cited by GeneReviews); NCBI Bookshelf NBK1208 (cited by GeneReviews).

NM_198578.4(LRRK2):c.713A>T (p.Asn238Ile)

Gene: LRRK2 (leucine rich repeat kinase 2; plus strand). Cytogenetic location: 12q12.
Variant type: single nucleotide variant.
Coding change: c.713A>T on transcript NM_198578.4 (MANE Select); coding-DNA position 713, A replaced by T.
Protein change: p.Asn238Ile; replaces asparagine 238 with isoleucine.
Molecular consequence: missense variant.
Genome position (GRCh38, 1-based): chr12:40,243,556, A>T. VCF-style: chr12-40243556-A-T. GRCh37 (hg19) VCF-style: chr12-40637358-A-T.
Other names: short protein forms N238I.
Identifiers: ClinVar variation 39233 (VCV000039233.8), dbSNP rs28365216, ClinGen allele CA343675.